The following is an entry in ClinVar:

ClinVar aggregate classification (germline): Pathogenic/Likely pathogenic. Review status: criteria provided, multiple submitters, no conflicts (2 of 4 stars). 4 submissions from 4 submitters: Pathogenic (2); Likely pathogenic (2). Last evaluated 2026-10-21.

Conditions:
IGF1R-related disorder. Also called: IGF1R-related condition.
Growth delay due to insulin-like growth factor I resistance. Also called: Somatomedin end-organ insensitivity to; Somatomedin-c resistance to; IGF-1 resistance; IGF-I RESISTANCE; Insulin-Like Growth Factor I Resistance. Identifiers: Orphanet 73273, MedGen C1849157, MONDO:0010038, OMIM 270450.
Inborn genetic diseases. Identifiers: MedGen C0950123, MeSH D030342.

Allele frequency attached by ClinVar (database versions not stated): gnomAD exomes below 0.00001.

Submissions (4):

GeneDx
Classification: Pathogenic. Last evaluated: 2026-10-21. Review status: criteria provided, single submitter. Criteria: GeneDx Variant Classification Process June 2021. Collection method: clinical testing. Allele origin: germline.
Comment: Frameshift variant predicted to result in protein truncation or nonsense mediated decay in a gene for which loss of function is a known mechanism of disease; Not observed at significant frequency in large population cohorts (gnomAD); Has not been previously published as pathogenic or benign to our knowledge

Ambry Genetics
Classification: Pathogenic for Inborn genetic diseases. Last evaluated: 2026-04-08. Review status: criteria provided, single submitter. Criteria: Ambry Variant Classification Scheme 2023. Collection method: clinical testing. Allele origin: germline.
Comment: The c.3038delT (p.V1013Afs*10) alteration, located in exon 16 (coding exon 16) of the IGF1R gene, consists of a deletion of one nucleotide at position 3038, causing a translational frameshift with a predicted alternate stop codon after 10 amino acids. This variant is expected to result in loss of function by premature protein truncation or nonsense-mediated mRNA decay. This variant was not reported in population-based cohorts in the Genome Aggregation Database (gnomAD). Based on the available evidence, this alteration is classified as pathogenic.

Pittsburgh Clinical Genomics Laboratory, University of Pittsburgh Medical Center
Classification: Likely pathogenic for Growth delay due to insulin-like growth factor I resistance. Last evaluated: 2024-08-14. Review status: criteria provided, single submitter. Criteria: ACMG Guidelines, 2015. Collection method: clinical testing. Allele origin: germline. Inheritance: Autosomal unknown. Affected: yes.
Comment: This sequence variant is a single nucleotide deletion (delT) in exon 16 of 21 of the IGF1R gene and results in an early termination codon 10 amino acids downstream of the frameshift introduced at codon 1013. This variant is predicted to generate a non-functional allele through either the expression of a truncated protein or a loss of insulin like growth factor 1 receptor expression due to nonsense mediated decay. This is a previously reported variant (ClinVar 2579520) that has not been observed in an individual affected by an IGF1R-related disorder in the published literature, to our knowledge. This variant is absent from the gnomAD population database (0 of approximately 152,000 alleles). Haploinsufficiency in IGF1R is a known mechanism of disease (PMID: 29621572, 30053089). Based upon the evidence, we consider this a likely pathogenic variant. ACMG Criteria: PM2, PVS1

Blueprint Genetics
Classification: Likely pathogenic for IGF1R-related disorders. Last evaluated: 2020-06-22. Review status: criteria provided, single submitter. Criteria: ACMG Guidelines, 2015. Collection method: clinical testing. Allele origin: germline. Affected: yes. Observed: 3 variant alleles.

Literature cited by the submitters: PubMed 30053089 (cited by Pittsburgh Clinical Genomics Laboratory, University of Pittsburgh Medical Center); PubMed 29621572 (cited by Pittsburgh Clinical Genomics Laboratory, University of Pittsburgh Medical Center).

NM_000875.5(IGF1R):c.3038del (p.Val1013fs)

Gene: IGF1R (insulin like growth factor 1 receptor; plus strand). Cytogenetic location: 15q26.3.
Variant type: Deletion.
Coding change: c.3038del on transcript NM_000875.5 (MANE Select); coding-DNA position 3038, one base deleted (T; older notation c.3038delT).
Protein change: p.Val1013fs; shifts the reading frame from valine 1013.
Molecular consequence: frameshift variant.
Genome position (GRCh38, 1-based): chr15:98,934,905, T deleted. VCF-style (leftmost placement, unchanged base first): chr15-98934904-GT-G. GRCh37 (hg19) VCF-style: chr15-99478133-GT-G.
Other names: c.3035del, p.Val1012fs (NM_001291858.2); c.3038delT (NM_000875.3); short protein forms V1012fs, V1013fs.
Identifiers: ClinVar variation 2579520 (VCV002579520.7), dbSNP rs2506058863, ClinGen allele CA2575844285.